The following is an entry in ClinVar:

ClinVar aggregate classification (germline): Uncertain significance. Review status: criteria provided, multiple submitters, no conflicts (2 of 4 stars). 4 submissions from 4 submitters: Uncertain significance (4). Last evaluated 2024-09-15.

Conditions:
Charcot-Marie-Tooth disease axonal type 2O. Also called: CHARCOT-MARIE-TOOTH NEUROPATHY, AXONAL, TYPE 2O; CHARCOT-MARIE-TOOTH DISEASE, AXONAL, AUTOSOMAL DOMINANT, TYPE 2O; Charcot-Marie-Tooth Neuropathy Type 2O; Charcot-Marie-Tooth disease, axonal, type 20. Identifiers: Orphanet 284232, MedGen C3280220, MONDO:0013644, OMIM 614228.
Autosomal dominant childhood-onset proximal spinal muscular atrophy without contractures. Also called: Spinal muscular atrophy, lower extremity-predominant 1, AD; KUGELBERG-WELANDER SYNDROME, AUTOSOMAL DOMINANT; SPINAL MUSCULAR ATROPHY, JUVENILE, PROXIMAL, AUTOSOMAL DOMINANT; SPINAL MUSCULAR ATROPHY, CHILDHOOD, PROXIMAL, AUTOSOMAL DOMINANT. Identifiers: Orphanet 209341, Orphanet 363447, MedGen C5780022, MONDO:0008026, OMIM 158600.
Cortical dysplasia, complex, with other brain malformations 13. Also called: Intellectual disability, autosomal dominant 13. Identifiers: MedGen C3281202, MONDO:0013805, OMIM 614563.
DYNC1H1-related disorder. Also called: DYNC1H1-related condition; DYNC1H1-related disorders. Identifiers: MedGen CN381529.

gnomAD v4.1: 6 of 1,600,136 alleles (0.00037%); highest among the groups gnomAD compares: East Asian, 0.0045%; no homozygotes.

Submissions (4):

Labcorp Genetics (formerly Invitae), Labcorp
Classification: Uncertain significance for Charcot-Marie-Tooth disease axonal type 2O. Last evaluated: 2024-09-15. Review status: criteria provided, single submitter. Criteria: Invitae Variant Classification Sherloc (09022015). Collection method: clinical testing. Allele origin: germline.
Comment: This sequence change replaces serine, which is neutral and polar, with tryptophan, which is neutral and slightly polar, at codon 28 of the DYNC1H1 protein (p.Ser28Trp). This variant is not present in population databases (gnomAD no frequency). This variant has not been reported in the literature in individuals affected with DYNC1H1-related conditions. ClinVar contains an entry for this variant (Variation ID: 1184382). Invitae Evidence Modeling of protein sequence and biophysical properties (such as structural, functional, and spatial information, amino acid conservation, physicochemical variation, residue mobility, and thermodynamic stability) has been performed for this missense variant. However, the output from this modeling did not meet the statistical confidence thresholds required to predict the impact of this variant on DYNC1H1 protein function. In summary, the available evidence is currently insufficient to determine the role of this variant in disease. Therefore, it has been classified as a Variant of Uncertain Significance.

Fulgent Genetics
Classification: Uncertain significance for Autosomal dominant childhood-onset proximal spinal muscular atrophy without contractures; Charcot-Marie-Tooth disease axonal type 2O; Cortical dysplasia, complex, with other brain malformations 13. Last evaluated: 2024-01-11. Review status: criteria provided, single submitter. Criteria: ACMG Guidelines, 2015. Collection method: clinical testing. Allele origin: germline.

PreventionGenetics, part of Exact Sciences
Classification: Uncertain significance for DYNC1H1-related condition. Last evaluated: 2023-06-09. Review status: criteria provided, single submitter. Criteria: ACMG Guidelines, 2015. Collection method: clinical testing. Allele origin: germline.
Comment: The DYNC1H1 c.83C>G variant is predicted to result in the amino acid substitution p.Ser28Trp. To our knowledge, this variant has not been reported in the literature or in a large population database, indicating this variant is rare. At this time, the clinical significance of this variant is uncertain due to the absence of conclusive functional and genetic evidence.

New York Genome Center
Classification: Uncertain significance for Cortical dysplasia, complex, with other brain malformations 13. Last evaluated: 2020-07-17. Review status: criteria provided, single submitter. Criteria: NYGC Assertion Criteria 2020. Collection method: clinical testing. Allele origin: inherited. Observed: 1 heterozygote. Study: CSER-NYCKidSeq.

NM_001376.5(DYNC1H1):c.83C>G (p.Ser28Trp)

Gene: DYNC1H1 (dynein cytoplasmic 1 heavy chain 1; plus strand). Cytogenetic location: 14q32.31.
Variant type: single nucleotide variant.
Coding change: c.83C>G on transcript NM_001376.5 (MANE Select); coding-DNA position 83, C replaced by G.
Protein change: p.Ser28Trp; replaces serine 28 with tryptophan.
Molecular consequence: missense variant.
Genome position (GRCh38, 1-based): chr14:101,964,774, C>G. VCF-style: chr14-101964774-C-G. GRCh37 (hg19) VCF-style: chr14-102431111-C-G.
Other names: c.83C>G (NM_001376.4); short protein forms S28W.
Identifiers: ClinVar variation 1184382 (VCV001184382.8), dbSNP rs765882472, ClinGen allele CA266961843.